The following is an entry in ClinVar:

NM_005472.5(KCNE3):c.130G>A (p.Glu44Lys)

Gene: KCNE3 (potassium voltage-gated channel subfamily E regulatory subunit 3; minus strand). Cytogenetic location: 11q13.4.
Variant type: single nucleotide variant.
Coding change: c.130G>A on transcript NM_005472.5 (MANE Select); coding-DNA position 130, G replaced by A.
Protein change: p.Glu44Lys; replaces glutamic acid 44 with lysine.
Molecular consequence: missense variant.
Genome position (GRCh38, 1-based): chr11:74,457,434, C>T on the plus strand (G>A on the coding strand, the complement: KCNE3 is on the minus strand). VCF-style: chr11-74457434-C-T. GRCh37 (hg19) VCF-style: chr11-74168479-C-T.
Other names: short protein forms E44K.
Identifiers: ClinVar variation 3224708 (VCV003224708.1), dbSNP rs2496085918, ClinGen allele CA381974006.
Genomic context (GRCh38, chr11:74,457,434, plus strand): 5'-CAAAGAGAATGTACATGTAGGAGTTGTCATCACGGCCAGGTAGGCTGGCCCGCCTCTCTT[C>T]AGTCTGGTTGTCTGGCCCCAGCCCTGGCCCTGGCCGGCAGAGCAAATTGCTGTGAAGAGT-3'
Protein context (NP_005463.1, residues 34-54): GPGLGPDNQT[Glu44Lys]ERRASLPGRD

ClinVar aggregate classification (germline): Uncertain significance (1 of 4 stars; one submission).

Conditions:
Cardiovascular phenotype. Identifiers: MedGen CN230736.

Submission:

Ambry Genetics
Classification: Uncertain significance for Cardiovascular phenotype. Last evaluated: 2023-12-21. Review status: criteria provided, single submitter. Criteria: Ambry Variant Classification Scheme 2023. Collection method: clinical testing. Allele origin: germline.
Comment: The p.E44K variant (also known as c.130G>A), located in coding exon 1 of the KCNE3 gene, results from a G to A substitution at nucleotide position 130. The glutamic acid at codon 44 is replaced by lysine, an amino acid with similar properties. This amino acid position is conserved. In addition, this alteration is predicted to be tolerated by in silico analysis. Since supporting evidence is limited at this time, the clinical significance of this alteration remains unclear.